The following is an entry in ClinVar:

ClinVar aggregate classification (germline): Uncertain significance. Review status: criteria provided, multiple submitters, no conflicts (2 of 4 stars). 2 submissions from 2 submitters: Uncertain significance (2). Last evaluated 2025-08-08.

Conditions:
Inborn genetic diseases. Identifiers: MedGen C0950123, MeSH D030342.

Allele frequency attached by ClinVar (database versions not stated): gnomAD 0.00001; TOPMed 0.00001.
gnomAD v4.1: 2 of 1,612,686 alleles (0.00012%); highest among the groups gnomAD compares: Non-Finnish European, 0.00017%; no homozygotes.

Submissions (2):

Ambry Genetics
Classification: Uncertain significance for Inborn genetic diseases. Last evaluated: 2025-08-08. Review status: criteria provided, single submitter. Criteria: Ambry Variant Classification Scheme 2023. Collection method: clinical testing. Allele origin: germline.

Labcorp Genetics (formerly Invitae), Labcorp
Classification: Uncertain significance. Last evaluated: 2023-01-06. Review status: criteria provided, single submitter. Criteria: Invitae Variant Classification Sherloc (09022015). Collection method: clinical testing. Allele origin: germline.
Comment: This sequence change replaces methionine, which is neutral and non-polar, with threonine, which is neutral and polar, at codon 540 of the TNFRSF11A protein (p.Met540Thr). In summary, the available evidence is currently insufficient to determine the role of this variant in disease. Therefore, it has been classified as a Variant of Uncertain Significance. Algorithms developed to predict the effect of missense changes on protein structure and function are either unavailable or do not agree on the potential impact of this missense change (SIFT: "Deleterious"; PolyPhen-2: "Probably Damaging"; Align-GVGD: "Class C0"). This variant has not been reported in the literature in individuals affected with TNFRSF11A-related conditions. This variant is not present in population databases (gnomAD no frequency).

NM_003839.4(TNFRSF11A):c.1619T>C (p.Met540Thr)

Gene: TNFRSF11A (TNF receptor superfamily member 11a; plus strand). Cytogenetic location: 18q21.33.
Variant type: single nucleotide variant.
Coding change: c.1619T>C on transcript NM_003839.4 (MANE Select); coding-DNA position 1619, T replaced by C.
Protein change: p.Met540Thr; replaces methionine 540 with threonine.
Molecular consequence: missense variant. On other transcripts: 3 prime UTR variant (1).
Genome position (GRCh38, 1-based): chr18:62,384,802, T>C. VCF-style: chr18-62384802-T-C. GRCh37 (hg19) VCF-style: chr18-60052035-T-C.
Other names: c.*43T>C (NM_001270949.2); c.782T>C, p.Met261Thr (NM_001270950.2); c.668T>C, p.Met223Thr (NM_001270951.2); c.1577T>C, p.Met526Thr (NM_001278268.2); short protein forms M261T, M526T, M540T, M223T.
Identifiers: ClinVar variation 2877452 (VCV002877452.4), dbSNP rs1173428223, ClinGen allele CA402619904.